The following is an entry in ClinVar:

ClinVar aggregate classification (germline): Uncertain significance (1 of 4 stars; one submission).

Allele frequency attached by ClinVar (database versions not stated): gnomAD exomes below 0.00001; ExAC 0.00001; gnomAD 0.00001; 1000 Genomes Project 30x 0.00016; 1000 Genomes Project 0.00020.
gnomAD v4.1: 1 of 1,603,124 alleles (0.000062%); highest among the groups gnomAD compares: African/African-American, 0.0013%; no homozygotes.

Submission:

Labcorp Genetics (formerly Invitae), Labcorp
Classification: Uncertain significance. Last evaluated: 2021-11-02. Review status: criteria provided, single submitter. Criteria: Invitae Variant Classification Sherloc (09022015). Collection method: clinical testing. Allele origin: germline.
Comment: Algorithms developed to predict the effect of missense changes on protein structure and function are either unavailable or do not agree on the potential impact of this missense change (SIFT: "Deleterious"; PolyPhen-2: "Probably Damaging"; Align-GVGD: "Class C15"). In summary, the available evidence is currently insufficient to determine the role of this variant in disease. Therefore, it has been classified as a Variant of Uncertain Significance. This variant has not been reported in the literature in individuals affected with KANK2-related conditions. The frequency data for this variant in the population databases is considered unreliable, as metrics indicate poor data quality at this position in the gnomAD database. This sequence change replaces serine, which is neutral and polar, with phenylalanine, which is neutral and non-polar, at codon 175 of the KANK2 protein (p.Ser175Phe).

NM_001136191.3(KANK2):c.524C>T (p.Ser175Phe)

Gene: KANK2 (KN motif and ankyrin repeat domains 2; minus strand). Cytogenetic location: 19p13.2.
Variant type: single nucleotide variant.
Coding change: c.524C>T on transcript NM_001136191.3 (MANE Select); coding-DNA position 524, C replaced by T.
Protein change: p.Ser175Phe; replaces serine 175 with phenylalanine.
Molecular consequence: missense variant.
Genome position (GRCh38, 1-based): chr19:11,193,556, G>A on the plus strand (C>T on the coding strand, the complement: KANK2 is on the minus strand). VCF-style: chr19-11193556-G-A. GRCh37 (hg19) VCF-style: chr19-11304232-G-A.
Other names: c.524C>T, p.Ser175Phe (NM_001379560.1, NM_001379561.1, NM_001379562.1 and 15 more transcripts); short protein forms S175F.
Identifiers: ClinVar variation 1378975 (VCV001378975.6), dbSNP rs570545918, ClinGen allele CA9206041.
Genomic context (GRCh38, chr19:11,193,556, plus strand): 5'-GCACCCGCCATCTGCTCCCGCACGTGGGCCAGGTGCCCGGCACTGGGAGGCACCGGTGTG[G>A]ACAGTCCTGAACTCCGTGGTGTCGGGGGTGGCAACCCCACGCCCACCAGGGAGGCTGTCG-3'
Protein context (NP_001129663.1, residues 165-185): PPPTPRSSGL[Ser175Phe]TPVPPSAGHL